The following is an entry in ClinVar:

ClinVar aggregate classification (germline): Benign. Review status: criteria provided, multiple submitters, no conflicts (2 of 4 stars). 3 submissions from 3 submitters: Benign (3). Last evaluated 2024-01-24.

Allele frequency attached by ClinVar (database versions not stated): gnomAD exomes 0.12702 and 0.13227; ExAC 0.13967; 1000 Genomes Project 0.15315; 1000 Genomes Project 30x 0.15818; gnomAD 0.17785 and 0.18373; TOPMed 0.18347; ESP Exome Variant Server 0.18776.
gnomAD v4.1: 209,962 of 1,588,918 alleles (13%); highest among the groups gnomAD compares: African/African-American, 31%; 15,678 homozygotes.

Submissions (3):

Unidad de Genómica Garrahan, Hospital de Pediatría Garrahan
Classification: Benign. Last evaluated: 2024-01-24. Review status: criteria provided, single submitter. Criteria: ACMG Guidelines, 2015. Collection method: clinical testing. Allele origin: germline. Affected: no. Observed: 27 variant alleles.
Comment: This variant is classified as Benign based on local population frequency. This variant was detected in 28% of patients studied by a panel of primary immunodeficiencies. Number of patients: 27. Only high quality variants are reported.

GeneDx
Classification: Benign. Last evaluated: 2018-07-09. Review status: criteria provided, single submitter. Criteria: GeneDx Variant Classification Process June 2021. Collection method: clinical testing. Allele origin: germline. Affected: yes.

Breakthrough Genomics
Classification: Benign. Review status: criteria provided, single submitter. Criteria: ACMG Guidelines, 2015. Collection method: not provided. Allele origin: germline. Inheritance: Autosomal recessive inheritance. Affected: yes.

NM_020458.4(TTC7A):c.1204-31T>C

Gene: TTC7A (tetratricopeptide repeat domain 7A; plus strand). Cytogenetic location: 2p21.
Variant type: single nucleotide variant.
Coding change: c.1204-31T>C on transcript NM_020458.4 (MANE Select); 31 bases into the intron before coding-DNA position 1204, T replaced by C.
Molecular consequence: intron variant.
Genome position (GRCh38, 1-based): chr2:47,006,610, T>C. VCF-style: chr2-47006610-T-C. GRCh37 (hg19) VCF-style: chr2-47233749-T-C.
Other names: c.1102-31T>C (NM_001288953.2); c.1204-31T>C (NM_001288951.2); c.142-31T>C (NM_001288955.2).
Identifiers: ClinVar variation 1228816 (VCV001228816.6), dbSNP rs13424540, ClinGen allele CA1647554.
Genomic context (GRCh38, chr2:47,006,610, plus strand): 5'-GTGACTTGGGCAGTAACTACCCTGGAAGGGTGCGGATGGCTGGGGTGGGAGGACCCCTGG[T>C]GGGTAAATGCTGACTATCTCCCCTCCCCAGTGCCTGGAGCGAGCCATGAAGTTTGCGTTT-3'